The following is an entry in ClinVar:

NM_013436.5(NCKAP1):c.536G>C (p.Gly179Ala)

Gene: NCKAP1 (NCK associated protein 1; minus strand). Cytogenetic location: 2q32.1.
Variant type: single nucleotide variant.
Coding change: c.536G>C on transcript NM_013436.5 (MANE Select); coding-DNA position 536, G replaced by C.
Protein change: p.Gly179Ala; replaces glycine 179 with alanine.
Molecular consequence: missense variant.
Genome position (GRCh38, 1-based): chr2:183,002,020, C>G on the plus strand (G>C on the coding strand, the complement: NCKAP1 is on the minus strand). VCF-style: chr2-183002020-C-G. GRCh37 (hg19) VCF-style: chr2-183866748-C-G.
Other names: c.554G>C, p.Gly185Ala (NM_205842.3); short protein forms G179A, G185A.
Identifiers: ClinVar variation 3776644 (VCV003776644.1).

ClinVar aggregate classification (germline): Uncertain significance (1 of 4 stars; one submission).

gnomAD v4.1: 1 of 1,613,644 alleles (0.000062%); highest among the groups gnomAD compares: African/African-American, 0.0013%; no homozygotes.

Submission:

GeneDx
Classification: Uncertain significance. Last evaluated: 2024-10-02. Review status: criteria provided, single submitter. Criteria: GeneDx Variant Classification Process June 2021. Collection method: clinical testing. Allele origin: germline. Affected: yes.
Comment: Not observed at significant frequency in large population cohorts (gnomAD); In silico analysis supports that this missense variant has a deleterious effect on protein structure/function; Has not been previously published as pathogenic or benign to our knowledge